The following is an entry in ClinVar:

NM_004311.4(ARL3):c.97C>T (p.Leu33Phe)

Gene: ARL3 (ARF like GTPase 3; minus strand). Cytogenetic location: 10q24.32.
Variant type: single nucleotide variant.
Coding change: c.97C>T on transcript NM_004311.4 (MANE Select); coding-DNA position 97, C replaced by T.
Protein change: p.Leu33Phe; replaces leucine 33 with phenylalanine.
Molecular consequence: missense variant.
Genome position (GRCh38, 1-based): chr10:102,705,396, G>A on the plus strand (C>T on the coding strand, the complement: ARL3 is on the minus strand). VCF-style: chr10-102705396-G-A. GRCh37 (hg19) VCF-style: chr10-104465153-G-A.
Other names: short protein forms L33F.
Identifiers: ClinVar variation 2750129 (VCV002750129.3), dbSNP rs144743393, ClinGen allele CA377923597.

ClinVar aggregate classification (germline): Uncertain significance (1 of 4 stars; one submission).

Submission:

Labcorp Genetics (formerly Invitae), Labcorp
Classification: Uncertain significance. Last evaluated: 2023-08-27. Review status: criteria provided, single submitter. Criteria: Invitae Variant Classification Sherloc (09022015). Collection method: clinical testing. Allele origin: germline.
Comment: This sequence change replaces leucine, which is neutral and non-polar, with phenylalanine, which is neutral and non-polar, at codon 33 of the ARL3 protein (p.Leu33Phe). This variant is not present in population databases (gnomAD no frequency). This variant has not been reported in the literature in individuals affected with ARL3-related conditions. An algorithm developed to predict the effect of missense changes on protein structure and function (PolyPhen-2) suggests that this variant is likely to be disruptive. In summary, the available evidence is currently insufficient to determine the role of this variant in disease. Therefore, it has been classified as a Variant of Uncertain Significance.